The following is an entry in ClinVar:

NM_001377405.1(ATXN7):c.54G>C (p.Ala18=)

Genes: ATXN7 (ataxin 7; plus strand), LOC129936979 (ATAC-STARR-seq lymphoblastoid silent region 14501; plus strand). Cytogenetic location: 3p14.1.
Variant type: single nucleotide variant.
Coding change: c.54G>C on transcript NM_001377405.1 (MANE Select); coding-DNA position 54, G replaced by C.
Protein change: p.Ala18=; no amino-acid change (alanine 18 retained).
Molecular consequence: synonymous variant.
Genome position (GRCh38, 1-based): chr3:63,912,652, G>C. VCF-style: chr3-63912652-G-C. GRCh37 (hg19) VCF-style: chr3-63898328-G-C.
Other names: c.54G>C, p.Ala18= (NM_001377406.1, NM_000333.4, NM_001177387.1).
Identifiers: ClinVar variation 3046008 (VCV003046008.2), dbSNP rs1478891378, ClinGen allele CA434138061.
Genomic context (GRCh38, chr3:63,912,652, plus strand): 5'-GGAAAGAATGTCGGAGCGGGCCGCGGATGACGTCAGGGGGGAGCCGCGCCGCGCGGCGGC[G>C]GCGGCGGGCGGAGCAGCGGCCGCGGCCGCCCGGCAGCAGCAGCAGCAGCAGCAGCAGCAG-3'
Protein context (NP_001364334.1, residues 8-28): DVRGEPRRAA[Ala18=]AAGGAAAAAA

ClinVar aggregate classification (germline): Likely benign (0 of 4 stars; one submission).

Conditions:
ATXN7-related disorder. Also called: ATXN7-related condition.

Allele frequency attached by ClinVar (database versions not stated): gnomAD 0.00001; TOPMed 0.00003.
gnomAD v4.1: 2 of 1,038,610 alleles (0.00019%); highest among the groups gnomAD compares: Admixed American, 0.012%; no homozygotes.

Submission:

PreventionGenetics, part of Exact Sciences
Classification: Likely benign for ATXN7-related condition. Last evaluated: 2019-04-25. Review status: no assertion criteria provided. Collection method: clinical testing. Allele origin: germline.
Comment: This variant is classified as likely benign based on ACMG/AMP sequence variant interpretation guidelines (Richards et al. 2015 PMID: 25741868, with internal and published modifications).